The following is an entry in ClinVar:

NM_001232.4(CASQ2):c.928G>A (p.Asp310Asn)

Gene: CASQ2 (calsequestrin 2; minus strand). Cytogenetic location: 1p13.1.
Variant type: single nucleotide variant.
Coding change: c.928G>A on transcript NM_001232.4 (MANE Select); coding-DNA position 928, G replaced by A.
Protein change: p.Asp310Asn; replaces aspartic acid 310 with asparagine.
Molecular consequence: missense variant.
Genome position (GRCh38, 1-based): chr1:115,705,203, C>T on the plus strand (G>A on the coding strand, the complement: CASQ2 is on the minus strand). VCF-style: chr1-115705203-C-T. GRCh37 (hg19) VCF-style: chr1-116247824-C-T.
Other names: p.D310N:GAC>AAC; short protein forms D310N.
Identifiers: ClinVar variation 162810 (VCV000162810.47), dbSNP rs141314684, ClinGen allele CA175355.

ClinVar aggregate classification (germline): Conflicting classifications of pathogenicity. Review status: criteria provided, conflicting classifications (1 of 4 stars). 10 submissions from 10 submitters: Uncertain significance (5); Benign (1); Likely benign (4). Last evaluated 2026-10-21.

Conditions:
Cardiovascular phenotype. Identifiers: MedGen CN230736.
Cardiomyopathy (CMYO). Also called: Cardiomyopathies. Identifiers: Orphanet 167848, MedGen C0878544, MONDO:0004994, HP:0001638. Inheritance: Various modes of inheritance.
Catecholaminergic polymorphic ventricular tachycardia 2. Also called: CASQ2-Related Catecholaminergic Polymorphic Ventricular Tachycardia; VENTRICULAR TACHYCARDIA, STRESS-INDUCED POLYMORPHIC 2. Identifiers: Orphanet 3286, MedGen C2677794, MONDO:0012762, OMIM 611938.
Catecholaminergic polymorphic ventricular tachycardia 1. Also called: RYR2-Related Catecholaminergic Polymorphic Ventricular Tachycardia; VENTRICULAR TACHYCARDIA, STRESS-INDUCED POLYMORPHIC 1; VENTRICULAR TACHYCARDIA, CATECHOLAMINERGIC POLYMORPHIC, 1, WITH OR WITHOUT ATRIAL DYSFUNCTION AND/OR DILATED CARDIOMYOPATHY. Identifiers: Orphanet 3286, MedGen C1631597, MONDO:0011484, OMIM 604772.

Allele frequency attached by ClinVar (database versions not stated): gnomAD exomes 0.00051 and 0.00070; gnomAD 0.00040 and 0.00039; TOPMed 0.00039; ExAC 0.00063; ESP Exome Variant Server 0.00046.

Submissions (10):

GeneDx
Classification: Uncertain significance. Last evaluated: 2026-10-21. Review status: criteria provided, single submitter. Criteria: GeneDx Variant Classification Process June 2021. Collection method: clinical testing. Allele origin: germline.
Comment: In silico analysis supports that this missense variant has a deleterious effect on protein structure/function; This variant is associated with the following publications: (PMID: 25691538, 28404607, 25351510, 30847666, 35932045, 36291626, 28361054, 32693635, 27930701)

Labcorp Genetics (formerly Invitae), Labcorp
Classification: Likely benign for Catecholaminergic polymorphic ventricular tachycardia 1. Last evaluated: 2026-01-26. Review status: criteria provided, single submitter. Criteria: Invitae Variant Classification Sherloc (09022015). Collection method: clinical testing. Allele origin: germline.

Mayo Clinic Laboratories, Mayo Clinic
Classification: Uncertain significance. Last evaluated: 2025-10-22. Review status: criteria provided, single submitter. Criteria: ACMG Guidelines, 2015. Collection method: clinical testing. Allele origin: germline. Observed: 1 variant allele.
Comment: BS1

Molecular Diagnostic Laboratory for Inherited Cardiovascular Disease, Montreal Heart Institute
Classification: Uncertain significance for Cardiovascular phenotype. Last evaluated: 2025-04-09. Review status: criteria provided, single submitter. Criteria: ACMG Guidelines, 2015. Collection method: clinical testing. Allele origin: germline. Affected: yes.

Women's Health and Genetics/Laboratory Corporation of America, LabCorp
Classification: Likely benign. Last evaluated: 2024-12-13. Review status: criteria provided, single submitter. Criteria: LabCorp Variant Classification Summary - May 2015. Collection method: clinical testing. Allele origin: germline.
Comment: Variant summary: CASQ2 c.928G>A (p.Asp310Asn) results in a conservative amino acid change located in the Calsequestrin, C-terminal TRX-fold domain (IPR041860) of the encoded protein sequence. Four of five in-silico tools predict a benign effect of the variant on protein function. The variant allele was found at a frequency of 0.00051 in 1611510 control chromosomes, predominantly at a frequency of 0.0044 within the Ashkenazi Jewish subpopulation in the gnomAD database. The observed variant frequency within Ashkenazi Jewish control individuals in the gnomAD database is approximately 3 fold of the estimated maximal expected allele frequency for a pathogenic variant in CASQ2 causing Catecholaminergic Polymorphic Ventricular Tachycardia phenotype (0.0016). c.928G>A has been reported in the literature in individuals affected with Brugada syndrome, Sudden Death, QT syndrome and unknown arrhythmia as well as asymptomatic individuals (Behr_2015, Sanchez_2016, Celestino-Soper_2017, Landstrom_2017, Ng_2020). These report(s) do not provide unequivocal conclusions about association of the variant with Catecholaminergic Polymorphic Ventricular Tachycardia. To our knowledge, no experimental evidence demonstrating an impact on protein function has been reported. The following publications have been ascertained in the context of this evaluation (PMID: 28404607, 27930701, 25691538, 28361054, 32693635). ClinVar contains an entry for this variant (Variation ID: 162810). Based on the evidence outlined above, the variant was classified as likely benign.

Blueprint Genetics
Classification: Likely benign. Last evaluated: 2024-10-25. Review status: criteria provided, single submitter. Criteria: ACMG Guidelines, 2015. Collection method: clinical testing. Allele origin: germline.

Ambry Genetics
Classification: Likely benign for Cardiovascular phenotype. Last evaluated: 2023-01-26. Review status: criteria provided, single submitter. Criteria: Ambry Variant Classification Scheme 2023. Collection method: clinical testing. Allele origin: germline.

Illumina Laboratory Services, Illumina
Classification: Uncertain significance for Catecholaminergic polymorphic ventricular tachycardia 2. Last evaluated: 2018-03-08. Review status: criteria provided, single submitter. Criteria: ICSL Variant Classification Criteria 13 December 2019. Collection method: clinical testing. Allele origin: germline.

CHEO Genetics Diagnostic Laboratory, Children's Hospital of Eastern Ontario
Classification: Benign for Cardiomyopathy. Last evaluated: 2018-03-06. Review status: criteria provided, single submitter. Criteria: ACMG Guidelines, 2015. Collection method: clinical testing. Allele origin: germline.

Laboratory for Molecular Medicine, Mass General Brigham Personalized Medicine
Classification: Uncertain significance. Last evaluated: 2015-04-29. Review status: criteria provided, single submitter. Criteria: LMM Criteria. Collection method: clinical testing. Allele origin: germline. Observed: 3 variant alleles.
Comment: The p.Asp310Asn variant in CASQ2 has been identified by our laboratory in 1 teen ager with DCM and in 1 teenager with DCM and LVNC. In addition, this variant has been identified in 0.1% (18/16512) of South Asian chromosomes and 0.08% (55/666 77) European chromosomes by the Exome Aggregation Consortium (ExAC.; dbSNP rs141314684). Computational prediction tools and conse rvation analysis do not provide strong support for or against an impact to the p rotein. In summary, the clinical significance of the p.Asp310Asn variant is unce rtain.

Literature cited by the submitters: PubMed 30847666 (cited by Mayo Clinic Laboratories, Mayo Clinic and Ambry Genetics); PubMed 32693635 (cited by 3 submitters); PubMed 35932045 (cited by Mayo Clinic Laboratories, Mayo Clinic and Ambry Genetics); PubMed 28404607 (cited by Women's Health and Genetics/Laboratory Corporation of America, LabCorp and Ambry Genetics); PubMed 27930701 (cited by Women's Health and Genetics/Laboratory Corporation of America, LabCorp and Ambry Genetics); PubMed 25691538 (cited by Women's Health and Genetics/Laboratory Corporation of America, LabCorp and Ambry Genetics); PubMed 28361054 (cited by Women's Health and Genetics/Laboratory Corporation of America, LabCorp); PubMed 36291626 (cited by Ambry Genetics).